The following is an entry in ClinVar:

NM_006269.2(RP1):c.6292G>T (p.Glu2098Ter)

Gene: RP1 (RP1 axonemal microtubule associated; plus strand). Cytogenetic location: 8q12.1.
Variant type: single nucleotide variant.
Coding change: c.6292G>T on transcript NM_006269.2 (MANE Select); coding-DNA position 6292, G replaced by T.
Protein change: p.Glu2098Ter; replaces glutamic acid 2098 with a stop codon.
Molecular consequence: nonsense. On other transcripts: intron variant (1).
Genome position (GRCh38, 1-based): chr8:54,630,174, G>T. VCF-style: chr8-54630174-G-T. GRCh37 (hg19) VCF-style: chr8-55542734-G-T.
Other names: c.787+7886G>T (NM_001375654.1); short protein forms E2098*.
Identifiers: ClinVar variation 4707738 (VCV004707738.1).
Genomic context (GRCh38, chr8:54,630,174, plus strand): 5'-GGCTCAAGAACAAATCTCAACCAAGTAGTAAGAGAAAATATCAACTGTCATTACTTCTTT[G>T]AAATGCTTGGTCAAGCTTGCCTCTTAGATATTTGCCAAGTTGAGACCTCCTTAAATATTA-3'

ClinVar aggregate classification (germline): Uncertain significance (1 of 4 stars; one submission).

Submission:

Labcorp Genetics (formerly Invitae), Labcorp
Classification: Uncertain significance. Last evaluated: 2025-05-08. Review status: criteria provided, single submitter. Criteria: Invitae Variant Classification Sherloc (09022015). Collection method: clinical testing. Allele origin: germline.
Comment: This sequence change creates a premature translational stop signal (p.Glu2098*) in the RP1 gene. While this is not anticipated to result in nonsense mediated decay, it is expected to disrupt the last 59 amino acid(s) of the RP1 protein. This variant is not present in population databases (gnomAD no frequency). This variant has not been reported in the literature in individuals affected with RP1-related conditions. Experimental studies and prediction algorithms are not available or were not evaluated, and the functional significance of this variant is currently unknown. In summary, the available evidence is currently insufficient to determine the role of this variant in disease. Therefore, it has been classified as a Variant of Uncertain Significance.